The following is an entry in ClinVar:

ClinVar aggregate classification (germline): Uncertain significance (1 of 4 stars; one submission).

Submission:

Labcorp Genetics (formerly Invitae), Labcorp
Classification: Uncertain significance. Last evaluated: 2023-12-08. Review status: criteria provided, single submitter. Criteria: Invitae Variant Classification Sherloc (09022015). Collection method: clinical testing. Allele origin: germline.
Comment: This sequence change replaces glycine, which is neutral and non-polar, with serine, which is neutral and polar, at codon 324 of the GNB1 protein (p.Gly324Ser). This variant is not present in population databases (gnomAD no frequency). This variant has not been reported in the literature in individuals affected with GNB1-related conditions. Advanced modeling of protein sequence and biophysical properties (such as structural, functional, and spatial information, amino acid conservation, physicochemical variation, residue mobility, and thermodynamic stability) performed at Invitae indicates that this missense variant is expected to disrupt GNB1 protein function with a positive predictive value of 80%. In summary, the available evidence is currently insufficient to determine the role of this variant in disease. Therefore, it has been classified as a Variant of Uncertain Significance.

NM_002074.5(GNB1):c.970G>A (p.Gly324Ser)

Gene: GNB1 (G protein subunit beta 1; minus strand). Cytogenetic location: 1p36.33.
Variant type: single nucleotide variant.
Coding change: c.970G>A on transcript NM_002074.5 (MANE Select); coding-DNA position 970, G replaced by A.
Protein change: p.Gly324Ser; replaces glycine 324 with serine.
Molecular consequence: missense variant.
Genome position (GRCh38, 1-based): chr1:1,787,384, C>T on the plus strand (G>A on the coding strand, the complement: GNB1 is on the minus strand). VCF-style: chr1-1787384-C-T. GRCh37 (hg19) VCF-style: chr1-1718823-C-T.
Other names: c.670G>A, p.Gly224Ser (NM_001282538.2); c.970G>A, p.Gly324Ser (NM_001282539.2); short protein forms G224S, G324S.
Identifiers: ClinVar variation 2971542 (VCV002971542.3), dbSNP rs2522094384, ClinGen allele CA337902162.